The following is an entry in ClinVar:

ClinVar aggregate classification (germline): Benign/Likely benign. Review status: criteria provided, multiple submitters, no conflicts (2 of 4 stars). 7 submissions from 6 submitters: Benign (3); Likely benign (4). Last evaluated 2026-02-01.

Conditions:
Seizures-scoliosis-macrocephaly syndrome. Also called: Seizures, scoliosis, and macrocephaly syndrome; SEIZURES, SCOLIOSIS, AND MACROCEPHALY/MICROCEPHALY SYNDROME. Identifiers: Orphanet 466926, MedGen C4225248, MONDO:0014731, OMIM 616682.
Exostoses, multiple, type 2 (EXT2). Also called: Hereditary Multiple Osteochondromatosis, Type II; EXOSTOSES, MULTIPLE, TYPE II. Identifiers: Orphanet 321, MedGen C1851413, MONDO:0007586, OMIM 133701.
Exostoses, multiple, type 1 (EXT1). Also called: Hereditary Multiple Osteochondromatosis, Type I; EXOSTOSES, MULTIPLE, TYPE I. Identifiers: MedGen CN263289, MONDO:0007585, OMIM 133700.

Allele frequency attached by ClinVar (database versions not stated): gnomAD exomes 0.00082 and 0.00240; ExAC 0.00278; ESP Exome Variant Server 0.00846; gnomAD 0.00874 and 0.00930; TOPMed 0.01005; 1000 Genomes Project 0.01058; 1000 Genomes Project 30x 0.01187.
gnomAD v4.1: 2,614 of 1,614,210 alleles (0.16%); highest among the groups gnomAD compares: African/African-American, 2.9%; 42 homozygotes.

Submissions (7):

Labcorp Genetics (formerly Invitae), Labcorp
Classification: Benign for Exostoses, multiple, type 2. Last evaluated: 2026-02-01. Review status: criteria provided, single submitter. Criteria: Invitae Variant Classification Sherloc (09022015). Collection method: clinical testing. Allele origin: germline.

KCCC/NGS Laboratory, Kuwait Cancer Control Center
Classification: Benign for Exostoses, multiple, type 2. Last evaluated: 2025-02-01. Review status: criteria provided, single submitter. Criteria: ACMG Guidelines, 2015. Collection method: clinical testing. Allele origin: germline. Affected: no.

KCCC/NGS Laboratory, Kuwait Cancer Control Center
Classification: Benign for Exostoses, multiple, type 1. Last evaluated: 2023-07-07. Review status: criteria provided, single submitter. Criteria: ACMG Guidelines, 2015. Collection method: clinical testing. Allele origin: germline. Affected: yes.

Fulgent Genetics
Classification: Likely benign for Exostoses, multiple, type 2; Seizures-scoliosis-macrocephaly syndrome. Last evaluated: 2022-05-17. Review status: criteria provided, single submitter. Criteria: ACMG Guidelines, 2015. Collection method: clinical testing. Allele origin: unknown.

Illumina Laboratory Services, Illumina
Classification: Likely benign for Exostoses, multiple, type 2. Last evaluated: 2017-04-27. Review status: criteria provided, single submitter. Criteria: ICSL Variant Classification Criteria 13 December 2019. Collection method: clinical testing. Allele origin: germline.
Comment: This variant was observed as part of a predisposition screen in an ostensibly healthy population. A literature search was performed for the gene, cDNA change, and amino acid change (where applicable). No publications were found based on this search. Allele frequency data from public databases allowed determination this variant is unlikely to cause disease. Therefore, this variant is classified as likely benign.

Center for Pediatric Genomic Medicine, Children's Mercy Hospital and Clinics
Classification: Likely benign. Last evaluated: 2017-04-19. Review status: criteria provided, single submitter. Criteria: ACMG Guidelines, 2015. Collection method: clinical testing. Allele origin: germline.

Breakthrough Genomics
Classification: Likely benign. Review status: criteria provided, single submitter. Criteria: ACMG Guidelines, 2015. Collection method: not provided. Allele origin: germline. Inheritance: Autosomal recessive inheritance. Affected: yes.

NM_207122.2(EXT2):c.1017T>C (p.Cys339=)

Gene: EXT2 (exostosin glycosyltransferase 2; plus strand). Cytogenetic location: 11p11.2.
Variant type: single nucleotide variant.
Coding change: c.1017T>C on transcript NM_207122.2 (MANE Select); coding-DNA position 1017, T replaced by C.
Protein change: p.Cys339=; no amino-acid change (cysteine 339 retained).
Molecular consequence: synonymous variant.
Genome position (GRCh38, 1-based): chr11:44,126,893, T>C. VCF-style: chr11-44126893-T-C. GRCh37 (hg19) VCF-style: chr11-44148443-T-C.
Other names: c.1116T>C, p.Cys372= (NM_000401.3); c.1017T>C, p.Cys339= (NM_001178083.3, NM_001389628.1, NM_001389630.1).
Identifiers: ClinVar variation 304585 (VCV000304585.20), dbSNP rs11828047, ClinGen allele CA5955076.